The following is an entry in ClinVar:

NM_152564.5(VPS13B):c.11599_11601dup (p.Ser3867_Glu3868insSer)

Gene: VPS13B (vacuolar protein sorting 13 homolog B; plus strand). Cytogenetic location: 8q22.2.
Variant type: Duplication.
Coding change: c.11599_11601dup on transcript NM_152564.5 (MANE Select); coding-DNA positions 11599 to 11601, 3 bases duplicated (TCA; older notation c.11599_11601dupTCA).
Protein change: p.Ser3867_Glu3868insSer.
Molecular consequence: inframe insertion.
Genome position (GRCh38, 1-based): chr8:99,871,551-99,871,553, TCA duplicated; duplicating any 3 consecutive bases within chr8:99,871,549-99,871,553 gives the same sequence; the c. name uses the placement nearest the transcript's 3' end. VCF-style (leftmost placement, unchanged base first): chr8-99871548-A-ACAT. GRCh37 (hg19) VCF-style: chr8-100883776-A-ACAT.
Other names: c.11674_11676dup, p.Ser3892_Glu3893insSer (NM_017890.5).
Identifiers: ClinVar variation 2125105 (VCV002125105.4), dbSNP rs2492376935, ClinGen allele CA2580079273.
Genomic context (GRCh38, chr8:99,871,548, plus strand): 5'-GCCCTGGACGTGGTTCTGGTGAGGGGCTCAGGCCAGGAGCATGAAGGGTGCTTGCTGCTG[A>ACAT]CATCAGAAGTGCTCTTCGTGGTGAGTGTCAGTGAGGACACACAGCAGCAGGCCTTCCCCG-3'

ClinVar aggregate classification (germline): Uncertain significance (1 of 4 stars; one submission).

Conditions:
Cohen syndrome (COH1). Also called: Cutis verticis gyrata, retinitis pigmentosa, and sensorineural deafness; PEPPER SYNDROME. Identifiers: Orphanet 193, MedGen C0265223, MONDO:0008999, OMIM 216550.

Submission:

Labcorp Genetics (formerly Invitae), Labcorp
Classification: Uncertain significance for Cohen syndrome. Last evaluated: 2022-10-04. Review status: criteria provided, single submitter. Criteria: Invitae Variant Classification Sherloc (09022015). Collection method: clinical testing. Allele origin: germline.
Comment: This variant, c.11674_11676dup, results in the insertion of 1 amino acid(s) of the VPS13B protein (p.Ser3892dup), but otherwise preserves the integrity of the reading frame. This variant is not present in population databases (gnomAD no frequency). This variant has not been reported in the literature in individuals affected with VPS13B-related conditions. In summary, the available evidence is currently insufficient to determine the role of this variant in disease. Therefore, it has been classified as a Variant of Uncertain Significance.